The following is an entry in ClinVar:

ClinVar aggregate classification (germline): Pathogenic. Review status: reviewed by expert panel (3 of 4 stars). 26 submissions from 25 submitters: Pathogenic (1). 25 of the submissions do not count toward it. Last evaluated 2026-06-23.

Conditions:
ABCA4-related retinopathy. Also called: ABCA4-related retinoapthy; ABCA4 retinoapthy. Identifiers: MedGen CN322612, MONDO:0800406.
ABCA4-related disorder. Also called: ABCA4-related condition; ABCA4-related disorders. Identifiers: MedGen CN239167.
Macular dystrophy. Identifiers: MedGen C0730292, HP:0007754.
Severe early-childhood-onset retinal dystrophy (STGD1). Also called: MACULAR DYSTROPHY WITH FLECKS, TYPE 1; STGD; Stargardt macular dystrophy; Juvenile onset macular degeneration; Stargardt disease 1. Identifiers: Orphanet 364055, Orphanet 827, MedGen C1855465, MeSH D000080362, MONDO:0009549, OMIM 248200.
Cone-rod dystrophy 3 (CORD3). Identifiers: Orphanet 1872, MedGen C1858806, MONDO:0011395, OMIM 604116.
Age related macular degeneration 2. Also called: MACULAR DEGENERATION, SENILE; MACULOPATHY, AGE-RELATED, 2; MACULOPATHY, AGE-RELATED. Identifiers: MedGen C3495438, MONDO:0007932, OMIM 153800.
Retinitis pigmentosa 19 (RP19). Also called: ABCA4-Related Retinitis Pigmentosa. Identifiers: Orphanet 791, MedGen C1866422, MONDO:0011137, OMIM 601718.
Retinal dystrophy. Also called: Inherited retinal dystrophy. Identifiers: Orphanet 71862, MedGen C0854723, MeSH D058499, MONDO:0019118, HP:0000556.
Retinal disorder. Also called: Retinopathy; Retinal disorders; Retinopathies; Retinal Diseases. Identifiers: MedGen C0035309, MONDO:0005283, HP:0000488.

Allele frequency attached by ClinVar (database versions not stated): TOPMed 0.00003; gnomAD 0.00005 and 0.00006; gnomAD exomes 0.00006 and 0.00017; ExAC 0.00020.

Submissions 1 to 8 of 26:

ClinGen ABCA4 Variant Curation Expert Panel, Clingen
Classification: Pathogenic for ABCA4-related retinopathy. Last evaluated: 2026-06-23. Review status: reviewed by expert panel. Criteria: ClinGen ABCA4 ACMG Specifications V1.0.0. Collection method: curation. Allele origin: germline. Inheritance: Autosomal recessive inheritance.
Comment: The NM_000350.3(ABCA4):c.4469G>A is a missense variant predicted to cause substitution of cysteine by tyrosine at amino acid 1490, p.Cys1490Tyr. The computational predictor REVEL gives a score of 0.95 which is above the threshold of >0.772 (PP3_Moderate). The prevalence of the variant in affected individuals is significantly increased compared with the prevalence in controls with an OR of 167.2 and CI of 93.20 to 327.21, which is above the ABCA4 VCEP threshold of ≥5, where the CI does not contain 1 (PS4; PMID: 35120629). This variant has been detected in at least 15 individuals with ABCA4-related retinopathy. Of those individuals, six were compound heterozygous for the variant and a pathogenic variant. Nine individuals were homozygous for the variant (PM3 = 4 points, PM3_Very Strong, PMID: 23695285). ATPase activity in COS7 cells showed a 21.4% decrease from wildtype indicating that this variant impacts protein function (PS3_Supporting; PMID: 16103129). In summary, this variant meets the criteria to be classified as pathogenic for ABCA4-related retinopathy based on the ACMG/AMP criteria applied, as specified by the ClinGen ABCA4 VCEP (Specification Version 1.0.0): PM3_Very Strong, PS4, PP3_Moderate, PS3_Supporting.

Labcorp Genetics (formerly Invitae), Labcorp
Classification: Pathogenic. Last evaluated: 2026-02-03. Review status: criteria provided, single submitter. Criteria: Invitae Variant Classification Sherloc (09022015). Collection method: clinical testing. Allele origin: germline. Not counted in ClinVar's aggregate classification.
Comment: This sequence change replaces cysteine, which is neutral and slightly polar, with tyrosine, which is neutral and polar, at codon 1490 of the ABCA4 protein (p.Cys1490Tyr). This variant is present in population databases (rs61751402, gnomAD 0.01%). This missense change has been observed in individual(s) with Stargardt disease and retinitis pigmentosa (PMID: 23695285, 24713488, 25082885, 25472526, 28041643). In at least one individual the data is consistent with being in trans (on the opposite chromosome) from a pathogenic variant. It is commonly reported in individuals of South African ancestry (PMID: 23695285, 24713488, 25082885, 25472526, 28041643). ClinVar contains an entry for this variant (Variation ID: 99288). Invitae Evidence Modeling of protein sequence and biophysical properties (such as structural, functional, and spatial information, amino acid conservation, physicochemical variation, residue mobility, and thermodynamic stability) indicates that this missense variant is expected to disrupt ABCA4 protein function with a positive predictive value of 95%. Experimental studies have shown that this missense change affects ABCA4 function (PMID: 16103129). Algorithms developed to predict the effect of sequence changes on RNA splicing suggest that this variant may disrupt the consensus splice site. For these reasons, this variant has been classified as Pathogenic.

3billion
Classification: Pathogenic for ABCA4-related disorder. Last evaluated: 2025-12-09. Review status: criteria provided, single submitter. Criteria: ACMG Guidelines, 2015. Collection method: clinical testing. Allele origin: germline. Affected: yes. Not counted in ClinVar's aggregate classification.
Comment: The variant is observed at an extremely low frequency in the gnomAD v4.1.0 dataset (total allele frequency: 0.016%). Predicted Consequence/Location: Missense variant Functional studies provide strong evidence of the variant having a damaging effect on the gene or gene product (PMID: 11017087, 16103129). In silico tool predictions suggest damaging effect of the variant on gene or gene product [REVEL: 0.95 (>=0.6, sensitivity 0.68 and specificity 0.92); 3Cnet: 0.89 (> 0.75, sensitivity 0.96 and precision 0.92)]. The same nucleotide change resulting in the same amino acid change has been previously reported as pathogenic/likely pathogenic with strong evidence (ClinVar ID: VCV000099288 /PMID: 9973280 /3billion dataset). Different missense changes at the same codon (p.Cys1490Arg, p.Cys1490Gly) have been reported as pathogenic/likely pathogenic with strong evidence (ClinVar ID: VCV000866086, VCV002910115). Therefore, this variant is classified as Pathogenic according to the recommendation of ACMG/AMP guideline.

North West Genomic Laboratory Hub, Manchester University NHS Foundation Trust
Classification: Pathogenic for Retinal disorders. Last evaluated: 2025-07-16. Review status: criteria provided, single submitter. Criteria: ACGS Best Practice Guidelines for Variant Classification in Rare Disease 2020. Collection method: clinical testing. Allele origin: germline. Affected: yes. Not counted in ClinVar's aggregate classification.
Comment: PM3_VStr PS3_Str PP4_Supp PP3_Supp PM2_Mod

Revvity Omics, Revvity
Classification: Pathogenic. Last evaluated: 2025-06-11. Review status: criteria provided, single submitter. Criteria: ACMG Guidelines, 2015. Collection method: clinical testing. Allele origin: germline. Not counted in ClinVar's aggregate classification.

Variantyx, Inc.
Classification: Pathogenic for Severe early-childhood-onset retinal dystrophy. Last evaluated: 2025-03-21. Review status: criteria provided, single submitter. Criteria: Variantyx Assertion Criteria 2022. Collection method: clinical testing. Allele origin: germline. Affected: yes. Not counted in ClinVar's aggregate classification.
Comment: This is a nonsynonymous variant in the ABCA4 gene (OMIM: 601691). Pathogenic variants in this gene have been associated with autosomal recessive Stargardt disease 1. This variant has been identified in the homozygous or compound heterozygous state in at least 8 individuals from the published literature (PMID: 15161829) (PM3_Strong). Functional studies have shown that this variant alters ABCA4 protein function (PMID: 11017087, 16103129) (PS3_Moderate). This variant lies within a known hotspot for pathogenic variants or a well-established critical functional domain of the ABCA4 protein (PM1). Multiple computational algorithms predict a deleterious effect for this variant (REVEL score: 0.95) (PP3_Moderate). This variant has a 0.0202% maximum allele frequency in non-founder control populations (PM2_Supporting). Based on the current evidence, this variant is classified as pathogenic for autosomal recessive Stargardt disease 1.

Victorian Clinical Genetics Services, Murdoch Childrens Research Institute
Classification: Pathogenic for Severe early-childhood-onset retinal dystrophy. Last evaluated: 2024-10-09. Review status: criteria provided, single submitter. Criteria: ACMG Guidelines, 2015. Collection method: clinical testing. Allele origin: germline. Inheritance: Autosomal recessive inheritance. Affected: yes. Not counted in ClinVar's aggregate classification.
Comment: Based on the classification scheme VCGS_Germline_v1.3.4, this variant is classified as Pathogenic. Following criteria are met: 0102 - Loss of function is a known mechanism of disease in this gene and is associated with Stargardt disease 1 (MIM#248200) and other inherited retinal diseases (OMIM). (I) 0106 - This gene is associated with autosomal recessive disease. (I) 0115 - Variants in this gene are known to have variable expressivity (PMID: 31522899). (I) 0200 - Variant is predicted to result in a missense amino acid change from cysteine to tyrosine. There is some evidence that this variant may affect splicing through the creation of a cryptic splice site (PMID: 37555651). (I) 0251 - This variant is heterozygous. (I) 0304 - Variant is present in gnomAD (v4) <0.01 for a recessive condition (250 heterozygotes, 0 homozygotes). (SP) 0309 - An alternative amino acid change at the same position has been observed in gnomAD (v4: 1 heterozygotes, 0 homozygotes). (I) 0501 - Missense variant consistently predicted to be damaging by multiple in silico tools or highly conserved with a major amino acid change. (SP) 0600 - Variant is located at an annotated cysteine residue that is involved in a disulphide bond (DECIPHER). (I) 0801 - This variant has strong previous evidence of pathogenicity in unrelated individuals. This variant has been classified as pathogenic by multiple clinical laboratories in ClinVar. This variant has also been observed in multiple individuals with Stargardt disease and is considered to be a founder variant in the South African population (PMID: 32913387). (SP) 1208 - Inheritance information for this variant is not currently available in this individual. (I) Legend: (SP) - Supporting pathogenic, (I) - Information, (SB) - Supporting benign

Blueprint Genetics
Classification: Pathogenic for ABCA4-related disorders. Last evaluated: 2024-08-29. Review status: criteria provided, single submitter. Criteria: ACMG Guidelines, 2015. Collection method: clinical testing. Allele origin: germline. Affected: yes. Observed: 5 variant alleles. Not counted in ClinVar's aggregate classification.

NM_000350.3(ABCA4):c.4469G>A (p.Cys1490Tyr)

Gene: ABCA4 (ATP binding cassette subfamily A member 4; minus strand). Cytogenetic location: 1p22.1.
Variant type: single nucleotide variant.
Coding change: c.4469G>A on transcript NM_000350.3 (MANE Select); coding-DNA position 4469, G replaced by A.
Protein change: p.Cys1490Tyr; replaces cysteine 1490 with tyrosine.
Molecular consequence: missense variant.
Genome position (GRCh38, 1-based): chr1:94,029,515, C>T on the plus strand (G>A on the coding strand, the complement: ABCA4 is on the minus strand). VCF-style: chr1-94029515-C-T. GRCh37 (hg19) VCF-style: chr1-94495071-C-T.
Other names: c.4247G>A, p.Cys1416Tyr (NM_001425324.1); short protein forms C1490Y, C1416Y.
Identifiers: ClinVar variation 99288 (VCV000099288.78), dbSNP rs61751402, ClinGen allele CA227198.